The following is an entry in ClinVar:

ClinVar aggregate classification (germline): Uncertain significance. Review status: criteria provided, single submitter (1 of 4 stars). 2 submissions from 2 submitters: Uncertain significance (1). 1 of the submissions does not count toward it. Last evaluated 2025-02-23.

Conditions:
Immunodeficiency 14 (IMD14A). Also called: ACTIVATED PI3K-DELTA SYNDROME 1; p110-DELTA-ACTIVATING MUTATION CAUSING SENESCENT T CELLS, LYMPHADENOPATHY, AND IMMUNODEFICIENCY; Activated PI3K Delta Syndrome Type 1 (APDS1); IMMUNODEFICIENCY 14A WITH LYMPHOPROLIFERATION, AUTOSOMAL DOMINANT. Identifiers: Orphanet 397596, Orphanet 693661, MedGen C5907821, MONDO:0014222, OMIM 615513.
Activated PI3K-delta syndrome. Identifiers: Orphanet 397596, MedGen C3714976, MONDO:0018338.

Allele frequency attached by ClinVar (database versions not stated): gnomAD 0.00001; gnomAD exomes 0.00001; TOPMed 0.00002.
gnomAD v4.1: 11 of 1,613,856 alleles (0.00068%); highest among the groups gnomAD compares: Admixed American, 0.0033%; no homozygotes.

Submissions (2):

Labcorp Genetics (formerly Invitae), Labcorp
Classification: Uncertain significance for Activated PI3K-delta syndrome. Last evaluated: 2025-02-23. Review status: criteria provided, single submitter. Criteria: Invitae Variant Classification Sherloc (09022015). Collection method: clinical testing. Allele origin: germline.
Comment: This sequence change replaces arginine, which is basic and polar, with glutamine, which is neutral and polar, at codon 982 of the PIK3CD protein (p.Arg982Gln). This variant is present in population databases (no rsID available, gnomAD 0.006%). This variant has not been reported in the literature in individuals affected with PIK3CD-related conditions. ClinVar contains an entry for this variant (Variation ID: 2890917). Invitae Evidence Modeling of protein sequence and biophysical properties (such as structural, functional, and spatial information, amino acid conservation, physicochemical variation, residue mobility, and thermodynamic stability) indicates that this missense variant is expected to disrupt PIK3CD protein function with a positive predictive value of 80%. In summary, the available evidence is currently insufficient to determine the role of this variant in disease. Therefore, it has been classified as a Variant of Uncertain Significance.

Rarefied Biosciences Lab
Classification: Likely benign for Activated PI3K-delta syndrome. Review status: no assertion criteria provided. Collection method: research. Allele origin: maternal, not applicable. Affected: yes. Functional consequence: gain_of_function_variant. Not counted in ClinVar's aggregate classification.
Comment: The PIK3CD c.2945G>A (p.Arg982Gln) variant results in a missense substitution of arginine to glutamine at codon 982. This position is outside known critical functional domains of PIK3CD. The variant is rare, with a gnomAD exomes group allele frequency of 0.00000262. Immune profiling revealed elevated T follicular helper (TFH) cells at 22% and transitional B cells at 12%. While both findings are above control levels, they are non-specific and not diagnostic for Activated PI3K-δ Syndrome (APDS). Importantly, no aberrant activation of the mTOR signaling pathway was observed, indicating intact PI3K signaling function. Computational predictive tools support a benign interpretation: the REVEL score is 0.255, AlphaMissense classifies it as Benign Strong (0.07599), and SIFT predicts a Benign Moderate effect (0.203). No publications currently link this variant to disease. Despite some immune findings, the lack of mTOR activation, absence of disease-specific phenotype, extremely low allele frequency, and consistently benign computational predictions support classification of PIK3CD c.2945G>A (p.Arg982Gln) as Likely Benign

Literature cited by the submitters: PubMed 31031754 (cited by Rarefied Biosciences Lab).

NM_005026.5(PIK3CD):c.2945G>A (p.Arg982Gln)

Gene: PIK3CD (phosphatidylinositol-4,5-bisphosphate 3-kinase catalytic subunit delta; plus strand). Cytogenetic location: 1p36.22.
Variant type: single nucleotide variant.
Coding change: c.2945G>A on transcript NM_005026.5 (MANE Select); coding-DNA position 2945, G replaced by A.
Protein change: p.Arg982Gln; replaces arginine 982 with glutamine.
Molecular consequence: missense variant.
Genome position (GRCh38, 1-based): chr1:9,724,884, G>A. VCF-style: chr1-9724884-G-A. GRCh37 (hg19) VCF-style: chr1-9784942-G-A.
Other names: c.2942G>A, p.Arg981Gln (NM_001350234.2); c.2858G>A, p.Arg953Gln (NM_001350235.1); short protein forms R953Q, R982Q, R981Q.
Identifiers: ClinVar variation 2890917 (VCV002890917.5), dbSNP rs964857770, ClinGen allele CA17785214.